The following is an entry in ClinVar:

ClinVar aggregate classification (germline): Likely pathogenic. Review status: criteria provided, single submitter (1 of 4 stars). 2 submissions from 2 submitters: Likely pathogenic (1). 1 of the submissions does not count toward it. Last evaluated 2025-12-12.

Conditions:
Pendred syndrome (PDS). Also called: DEAFNESS WITH GOITER; Pendred's syndrome; GOITER-DEAFNESS SYNDROME; HYPOTHYROIDISM, CONGENITAL, DUE TO DYSHORMONOGENESIS, 2B; THYROID DYSHORMONOGENESIS 2B; THYROID HORMONOGENESIS, GENETIC DEFECT IN, 2B. Identifiers: Orphanet 705, MedGen C0271829, MONDO:0010134, OMIM 274600.

Submissions (2):

Women's Health and Genetics/Laboratory Corporation of America, LabCorp
Classification: Likely pathogenic for Pendred syndrome. Last evaluated: 2025-12-12. Review status: criteria provided, single submitter. Criteria: LabCorp Variant Classification Summary - May 2015. Collection method: clinical testing. Allele origin: germline.
Comment: Variant summary: SLC26A4 c.1001+5G>T alters a conserved nucleotide located close to a canonical splice site and therefore could affect mRNA splicing, leading to a significantly altered protein sequence. Several computational tools predict a significant impact on normal splicing: Two predict the variant weakens a canonical 5' donor site and one predicts the variant abolishes this site. Two predict the variant strengthens a cryptic 3' acceptor site. At least one publication reports experimental evidence that this variant affects mRNA splicing (Lee_2019). The variant was absent in 250160 control chromosomes (gnomAD). c.1001+5G>T has been observed in an individual affected with severe bilateral hearing loss (Pera_2008). ClinVar contains an entry for this variant (Variation ID: 557483). Based on the evidence outlined above, the variant was classified as likely pathogenic.

Counsyl
Classification: Uncertain significance for Pendred syndrome. Last evaluated: 2018-03-27. Review status: no assertion criteria provided. Collection method: clinical testing. Allele origin: unknown. Not counted in ClinVar's aggregate classification.

Literature cited by the submitters: PubMed 31033086 (cited by Women's Health and Genetics/Laboratory Corporation of America, LabCorp); PubMed 18285825 (cited by Women's Health and Genetics/Laboratory Corporation of America, LabCorp and Counsyl).

NM_000441.2(SLC26A4):c.1001+5G>T

Gene: SLC26A4 (solute carrier family 26 member 4; plus strand). Cytogenetic location: 7q22.3.
Variant type: single nucleotide variant.
Coding change: c.1001+5G>T on transcript NM_000441.2 (MANE Select); 5 bases into the intron after coding-DNA position 1001, G replaced by T.
Molecular consequence: intron variant.
Genome position (GRCh38, 1-based): chr7:107,683,542, G>T. VCF-style: chr7-107683542-G-T. GRCh37 (hg19) VCF-style: chr7-107323987-G-T.
Identifiers: ClinVar variation 557483 (VCV000557483.3), dbSNP rs780131226, ClinGen allele CA164205833.